The following is an entry in ClinVar:

ClinVar aggregate classification (germline): Benign/Likely benign. Review status: criteria provided, multiple submitters, no conflicts (2 of 4 stars). 3 submissions from 3 submitters: Benign (1); Likely benign (2). Last evaluated 2025-06-02.

Conditions:
Hereditary cancer-predisposing syndrome. Also called: Neoplastic Syndromes, Hereditary; Hereditary Cancer Syndrome; Hereditary neoplastic syndrome; Tumor predisposition. Identifiers: Orphanet 140162, MedGen C0027672, MeSH D009386, MONDO:0015356.
Tuberous sclerosis 2 (TSC2). Identifiers: Orphanet 805, MedGen C1860707, MONDO:0013199, OMIM 613254.

Allele frequency attached by ClinVar (database versions not stated): gnomAD 0.00001.
gnomAD v4.1: 1 of 1,605,142 alleles (0.000062%); highest among the groups gnomAD compares: Non-Finnish European, 0.000085%; no homozygotes.

Submissions (3):

Myriad Genetics, Inc.
Classification: Benign for Tuberous sclerosis 2. Last evaluated: 2025-06-02. Review status: criteria provided, single submitter. Criteria: Myriad Autosomal Dominant, Autosomal Recessive and X-Linked Classification Criteria (2023). Collection method: clinical testing. Allele origin: unknown.
Comment: This variant is considered benign. This variant is a silent/synonymous amino acid change and it is not expected to impact splicing.

Ambry Genetics
Classification: Likely benign for Hereditary cancer-predisposing syndrome. Last evaluated: 2023-12-07. Review status: criteria provided, single submitter. Criteria: Ambry Variant Classification Scheme 2023. Collection method: clinical testing. Allele origin: germline.

Labcorp Genetics (formerly Invitae), Labcorp
Classification: Likely benign for Tuberous sclerosis 2. Last evaluated: 2022-12-16. Review status: criteria provided, single submitter. Criteria: Invitae Variant Classification Sherloc (09022015). Collection method: clinical testing. Allele origin: germline.

NM_000548.5(TSC2):c.3927T>A (p.Pro1309=)

Gene: TSC2 (TSC complex subunit 2; plus strand). Cytogenetic location: 16p13.3.
Variant type: single nucleotide variant.
Coding change: c.3927T>A on transcript NM_000548.5 (MANE Select); coding-DNA position 3927, T replaced by A.
Protein change: p.Pro1309=; no amino-acid change (proline 1309 retained).
Molecular consequence: synonymous variant. On other transcripts: non-coding transcript variant (5).
Genome position (GRCh38, 1-based): chr16:2,083,738, T>A. VCF-style: chr16-2083738-T-A. GRCh37 (hg19) VCF-style: chr16-2133739-T-A.
Other names: c.3726T>A, p.Pro1242= (NM_001077183.3); c.3858T>A, p.Pro1286= (NM_001114382.3); c.3618T>A, p.Pro1206= (NM_001318827.2); c.3582T>A, p.Pro1194= (NM_001318829.2); c.3195T>A, p.Pro1065= (NM_001318831.2); c.3759T>A, p.Pro1253= (NM_001318832.2); c.3729T>A, p.Pro1243= (NM_001363528.2); c.3795T>A, p.Pro1265= (NM_001370404.1); and 26 more.
Identifiers: ClinVar variation 2821553 (VCV002821553.5), dbSNP rs1488161104, ClinGen allele CA492956236.